The following is an entry in ClinVar:

NM_000052.7(ATP7A):c.1358_1363del (p.Val453_Ile454del)

Gene: ATP7A (ATPase copper transporting alpha; plus strand). Cytogenetic location: Xq21.1.
Variant type: Deletion.
Coding change: c.1358_1363del on transcript NM_000052.7 (MANE Select); coding-DNA positions 1358 to 1363, 6 bases deleted (TAATAG; older notation c.1358_1363delTAATAG).
Protein change: p.Val453_Ile454del.
Molecular consequence: inframe deletion.
Genome position (GRCh38, 1-based): chrX:77,998,499-77,998,504, TAATAG deleted; deleting any 6 consecutive bases within chrX:77,998,496-77,998,504 gives the same sequence; the c. name uses the placement nearest the transcript's 3' end. VCF-style (leftmost placement, unchanged base first): chrX-77998495-GTAGTAA-G. GRCh37 (hg19) VCF-style: chrX-77253992-GTAGTAA-G.
Other names: c.1358_1363del, p.Val453_Ile454del (NM_001282224.2).
Identifiers: ClinVar variation 3761481 (VCV003761481.2).
Genomic context (GRCh38, chrX:77,998,495, plus strand): 5'-TGATCAATACTGCAAATGAAAAGAATCTTTCCCTTTCTACCAGACACGAATGAGCCGTTG[GTAGTAA>G]TAGCTCAGCCTTCATCGGAAATGCCGCTTTTGACTTCAACTAATGAATTTTATACTAAAG-3'

ClinVar aggregate classification (germline): Uncertain significance (1 of 4 stars; one submission).

Conditions:
Menkes kinky-hair syndrome (MNK). Also called: Copper transport disease; Menkes Disease; Classic Menkes Disease. Identifiers: Orphanet 565, MedGen C0022716, MONDO:0010651, OMIM 309400.
X-linked distal spinal muscular atrophy type 3. Also called: ATP7A-Related Distal Motor Neuropathy; SPINAL MUSCULAR ATROPHY, DISTAL, X-LINKED RECESSIVE; NEURONOPATHY, DISTAL HEREDITARY MOTOR, X-LINKED; NEUROPATHY, DISTAL HEREDITARY MOTOR, X-LINKED. Identifiers: Orphanet 139557, MedGen C1845359, MONDO:0010338, OMIM 300489.
Cutis laxa, X-linked (OHS). Also called: EDS IX; Occipital horn syndrome. Identifiers: Orphanet 198, MedGen C0268353, MONDO:0010572, OMIM 304150.

Submission:

Labcorp Genetics (formerly Invitae), Labcorp
Classification: Uncertain significance for X-linked distal spinal muscular atrophy type 3; Cutis laxa, X-linked; Menkes kinky-hair syndrome. Last evaluated: 2025-05-06. Review status: criteria provided, single submitter. Criteria: Invitae Variant Classification Sherloc (09022015). Collection method: clinical testing. Allele origin: germline.
Comment: This variant, c.1358_1363del, results in the deletion of 2 amino acid(s) of the ATP7A protein (p.Val453_Ile454del), but otherwise preserves the integrity of the reading frame. This variant is not present in population databases (gnomAD no frequency). This variant has not been reported in the literature in individuals affected with ATP7A-related conditions. ClinVar contains an entry for this variant (Variation ID: 3761481). Experimental studies and prediction algorithms are not available or were not evaluated, and the functional significance of this variant is currently unknown. In summary, the available evidence is currently insufficient to determine the role of this variant in disease. Therefore, it has been classified as a Variant of Uncertain Significance.